The following is an entry in ClinVar:

ClinVar aggregate classification (germline): Uncertain significance (1 of 4 stars; one submission).

Conditions:
Emery-Dreifuss muscular dystrophy (EDMD). Also called: Scapuloperoneal syndrome, X-linked (formerly); Humeroperoneal neuromuscular disease, (formerly). Identifiers: Orphanet 261, MedGen C0410189, MONDO:0016830.

Allele frequency attached by ClinVar (database versions not stated): gnomAD exomes below 0.00001.

Submission:

Labcorp Genetics (formerly Invitae), Labcorp
Classification: Uncertain significance for Emery-Dreifuss muscular dystrophy. Last evaluated: 2016-10-01. Review status: criteria provided, single submitter. Criteria: Invitae Variant Classification Sherloc (09022015). Collection method: clinical testing. Allele origin: germline.
Comment: This sequence change replaces serine with asparagine at codon 157 of the SUN2 protein (p.Ser157Asn). The serine residue is weakly conserved and there is a small physicochemical difference between serine and asparagine. This variant is not present in population databases (ExAC no frequency) and has not been reported in the literature in individuals with a SUN2-related disease. Algorithms developed to predict the effect of missense changes on protein structure and function output the following: (SIFT: "Tolerated"; PolyPhen-2: "Benign"; Align-GVGD: "Class C0"). The asparagine amino acid residue is found in multiple mammalian species, suggesting that this missense change does not adversely affect protein function. These predictions have not been confirmed by published functional studies. In summary, this variant is a novel missense change that is not predicted to affect protein function. There is no indication that it causes disease, but the available evidence is currently insufficient to prove that conclusively. Therefore, it has been classified as a Variant of Uncertain Significance.

NM_015374.3(SUN2):c.470G>A (p.Ser157Asn)

Gene: SUN2 (Sad1 and UNC84 domain containing 2; minus strand). Cytogenetic location: 22q13.1.
Variant type: single nucleotide variant.
Coding change: c.470G>A on transcript NM_015374.3 (MANE Select); coding-DNA position 470, G replaced by A.
Protein change: p.Ser157Asn; replaces serine 157 with asparagine.
Molecular consequence: missense variant.
Genome position (GRCh38, 1-based): chr22:38,750,275, C>T on the plus strand (G>A on the coding strand, the complement: SUN2 is on the minus strand). VCF-style: chr22-38750275-C-T. GRCh37 (hg19) VCF-style: chr22-39146280-C-T.
Other names: c.533G>A, p.Ser178Asn (NM_001199579.2); c.470G>A, p.Ser157Asn (NM_001199580.2); short protein forms S157N, S178N.
Identifiers: ClinVar variation 461687 (VCV000461687.8), dbSNP rs1556013290, ClinGen allele CA411586409.